The following is an entry in ClinVar:

ClinVar aggregate classification (germline): Uncertain significance (1 of 4 stars; one submission).

Conditions:
Primary ciliary dyskinesia 32. Also called: CILIARY DYSKINESIA, PRIMARY, 32, WITHOUT SITUS INVERSUS. Identifiers: Orphanet 244, MedGen C4225311, MONDO:0014657, OMIM 616481.

Allele frequency attached by ClinVar (database versions not stated): gnomAD exomes below 0.00001 and 0.00003; ExAC 0.00003; ESP Exome Variant Server 0.00008; gnomAD 0.00008 and 0.00009; TOPMed 0.00008; 1000 Genomes Project 0.00060; 1000 Genomes Project 30x 0.00094.
gnomAD v4.1: 22 of 1,614,164 alleles (0.0014%); highest among the groups gnomAD compares: African/African-American, 0.025%; no homozygotes.

Submission:

Labcorp Genetics (formerly Invitae), Labcorp
Classification: Uncertain significance for Primary ciliary dyskinesia 32. Last evaluated: 2021-08-24. Review status: criteria provided, single submitter. Criteria: Invitae Variant Classification Sherloc (09022015). Collection method: clinical testing. Allele origin: germline.
Comment: This sequence change replaces alanine with valine at codon 406 of the RSPH3 protein (p.Ala406Val). The alanine residue is highly conserved and there is a small physicochemical difference between alanine and valine. This variant is present in population databases (rs150750790, ExAC 0.04%). This variant has not been reported in the literature in individuals affected with RSPH3-related conditions. Algorithms developed to predict the effect of missense changes on protein structure and function are either unavailable or do not agree on the potential impact of this missense change (SIFT: "Deleterious"; PolyPhen-2: "Possibly Damaging"; Align-GVGD: "Class C0"). In summary, the available evidence is currently insufficient to determine the role of this variant in disease. Therefore, it has been classified as a Variant of Uncertain Significance.

NM_031924.8(RSPH3):c.791C>T (p.Ala264Val)

Gene: RSPH3 (radial spoke head 3; minus strand). Cytogenetic location: 6q25.3.
Variant type: single nucleotide variant.
Coding change: c.791C>T on transcript NM_031924.8 (MANE Select); coding-DNA position 791, C replaced by T.
Protein change: p.Ala264Val; replaces alanine 264 with valine.
Molecular consequence: missense variant. On other transcripts: non-coding transcript variant (1).
Genome position (GRCh38, 1-based): chr6:158,980,842, G>A on the plus strand (C>T on the coding strand, the complement: RSPH3 is on the minus strand). VCF-style: chr6-158980842-G-A. GRCh37 (hg19) VCF-style: chr6-159401874-G-A.
Other names: c.929C>T, p.Ala310Val (NM_001346418.1); short protein forms A310V, A264V.
Identifiers: ClinVar variation 568995 (VCV000568995.6), dbSNP rs150750790, ClinGen allele CA4075810.